The following is an entry in ClinVar:

NM_001379286.1(ZNF423):c.3394G>A (p.Glu1132Lys)

Gene: ZNF423 (zinc finger protein 423; minus strand). Cytogenetic location: 16q12.1.
Variant type: single nucleotide variant.
Coding change: c.3394G>A on transcript NM_001379286.1 (MANE Select); coding-DNA position 3394, G replaced by A.
Protein change: p.Glu1132Lys; replaces glutamic acid 1132 with lysine.
Molecular consequence: missense variant.
Genome position (GRCh38, 1-based): chr16:49,635,782, C>T on the plus strand (G>A on the coding strand, the complement: ZNF423 is on the minus strand). VCF-style: chr16-49635782-C-T. GRCh37 (hg19) VCF-style: chr16-49669693-C-T.
Other names: c.3190G>A, p.Glu1064Lys (NM_001271620.2); c.3019G>A, p.Glu1007Lys (NM_001330533.2); c.3370G>A, p.Glu1124Lys (NM_015069.5); short protein forms E1064K, E1124K, E1007K, E1132K.
Identifiers: ClinVar variation 402221 (VCV000402221.3), dbSNP rs548986682, ClinGen allele CA8046307.

ClinVar aggregate classification (germline): Conflicting classifications of pathogenicity. Review status: criteria provided, conflicting classifications (1 of 4 stars). 3 submissions from 3 submitters: Likely pathogenic (1); Uncertain significance (2). Last evaluated 2026-02-26.

Conditions:
ZNF423-related disorder. Also called: ZNF423-related condition.
Nephronophthisis 14 (NPHP14). Identifiers: Orphanet 2318, MedGen C3539071, MONDO:0013916, OMIM 614844.
Abnormal brain morphology. Also called: Abnormality of brain morphology. Identifiers: MedGen C4021085, HP:0012443.

Allele frequency attached by ClinVar (database versions not stated): gnomAD exomes 0.00001 and 0.00003; gnomAD 0.00002; TOPMed 0.00002; ExAC 0.00005; 1000 Genomes Project 30x 0.00031; 1000 Genomes Project 0.00040.
gnomAD v4.1: 19 of 1,612,622 alleles (0.0012%); highest among the groups gnomAD compares: South Asian, 0.0055%; no homozygotes.

Submissions (3):

PreventionGenetics, part of Exact Sciences
Classification: Uncertain significance for ZNF423-related condition. Last evaluated: 2026-02-26. Review status: criteria provided, single submitter. Criteria: ACMG Guidelines, 2015. Collection method: clinical testing. Allele origin: germline.
Comment: The ZNF423 c.3370G>A variant is predicted to result in the amino acid substitution p.Glu1124Lys. This variant was reported in an individual with Macrocephaly, extended subarachnoid spaces, thin corpus callosum, hypopigmented fundus (Karaca et al. 2015. PubMed ID: 26539891). However, in vivo functional studies in mice suggest that this variant has no impact on protein function in the homozygous or compound heterozygous states, and should be considered likely benign (Deshpande et al. 2020. PubMed ID: 32925911). This variant is reported in 0.0098% of alleles in individuals of South Asian descent in gnomAD. Although we suspect that this variant may be benign, its clinical significance is classified as uncertain due tot he absence of conclusive functional and genetic evidence.

Labcorp Genetics (formerly Invitae), Labcorp
Classification: Uncertain significance for Nephronophthisis 14. Last evaluated: 2019-10-28. Review status: criteria provided, single submitter. Criteria: Invitae Variant Classification Sherloc (09022015). Collection method: clinical testing. Allele origin: germline.
Comment: This sequence change replaces glutamic acid with lysine at codon 1124 of the ZNF423 protein (p.Glu1124Lys). The glutamic acid residue is highly conserved and there is a small physicochemical difference between glutamic acid and lysine. This variant is present in population databases (rs548986682, ExAC 0.02%). This variant has been observed in individual(s) with neurologic disease (PMID: 26539891). ClinVar contains an entry for this variant (Variation ID: 402221). Algorithms developed to predict the effect of missense changes on protein structure and function (SIFT, PolyPhen-2, Align-GVGD) all suggest that this variant is likely to be tolerated, but these predictions have not been confirmed by published functional studies and their clinical significance is uncertain. In summary, the available evidence is currently insufficient to determine the role of this variant in disease. Therefore, it has been classified as a Variant of Uncertain Significance.

Lupski Lab, Baylor-Hopkins CMG, Baylor College of Medicine
Classification: Likely pathogenic for Abnormal brain morphology. Review status: criteria provided, single submitter. Criteria: Karaca et al. (Neuron 2015). Collection method: research. Allele origin: inherited. Inheritance: Autosomal recessive inheritance. Affected: yes.

Literature cited by the submitters: PubMed 26539891 (cited by Labcorp Genetics (formerly Invitae), Labcorp).